The following is an entry in ClinVar:

ClinVar aggregate classification (germline): Uncertain significance. Review status: criteria provided, multiple submitters, no conflicts (2 of 4 stars). 2 submissions from 2 submitters: Uncertain significance (2). Last evaluated 2026-07-08.

Conditions:
Hereditary cancer-predisposing syndrome. Also called: Tumor predisposition; Hereditary neoplastic syndrome; Hereditary Cancer Syndrome; Neoplastic Syndromes, Hereditary. Identifiers: Orphanet 140162, MedGen C0027672, MeSH D009386, MONDO:0015356.
Carney-Stratakis syndrome. Also called: PARAGANGLIOMA AND GASTROINTESTINAL STROMAL TUMOR. Identifiers: Orphanet 97286, MedGen C1847319, MONDO:0011740, OMIM 606864.
Pheochromocytoma. Also called: MAX-Related Hereditary Paraganglioma-Pheochromocytoma Syndrome. Identifiers: Orphanet 29072, MedGen C0031511, MONDO:0008233, OMIM 171300, HP:0002666.
Paragangliomas with sensorineural hearing loss. Identifiers: MedGen C1868633.
Cowden syndrome 3 (CWS3). Identifiers: Orphanet 201, MedGen CN166604, MONDO:0014045.

Submissions (2):

Ambry Genetics
Classification: Uncertain significance for Hereditary cancer-predisposing syndrome. Last evaluated: 2026-07-08. Review status: criteria provided, single submitter. Criteria: Ambry Variant Classification Scheme 2023. Collection method: clinical testing. Allele origin: germline.
Comment: The p.G108R variant (also known as c.322G>A), located in coding exon 4 of the SDHD gene, results from a G to A substitution at nucleotide position 322. The glycine at codon 108 is replaced by arginine, an amino acid with dissimilar properties. This amino acid position is highly conserved in available vertebrate species. In addition, this alteration is predicted to be deleterious by in silico analysis. Based on the available evidence, the clinical significance of this variant remains unclear.

Labcorp Genetics (formerly Invitae), Labcorp
Classification: Uncertain significance for Carney-Stratakis syndrome; Paragangliomas with sensorineural hearing loss; Pheochromocytoma; Cowden syndrome 3. Last evaluated: 2024-03-16. Review status: criteria provided, single submitter. Criteria: Invitae Variant Classification Sherloc (09022015). Collection method: clinical testing. Allele origin: germline.
Comment: This sequence change replaces glycine, which is neutral and non-polar, with arginine, which is basic and polar, at codon 108 of the SDHD protein (p.Gly108Arg). This variant is not present in population databases (gnomAD no frequency). This variant has not been reported in the literature in individuals affected with SDHD-related conditions. Advanced modeling of protein sequence and biophysical properties (such as structural, functional, and spatial information, amino acid conservation, physicochemical variation, residue mobility, and thermodynamic stability) has been performed at Invitae for this missense variant, however the output from this modeling did not meet the statistical confidence thresholds required to predict the impact of this variant on SDHD protein function. In summary, the available evidence is currently insufficient to determine the role of this variant in disease. Therefore, it has been classified as a Variant of Uncertain Significance.

NM_003002.4(SDHD):c.322G>A (p.Gly108Arg)

Gene: SDHD (succinate dehydrogenase complex subunit D; plus strand). Cytogenetic location: 11q23.1.
Variant type: single nucleotide variant.
Coding change: c.322G>A on transcript NM_003002.4 (MANE Select); coding-DNA position 322, G replaced by A.
Protein change: p.Gly108Arg; replaces glycine 108 with arginine.
Molecular consequence: missense variant. On other transcripts: synonymous variant (1), 3 prime UTR variant (1), non-coding transcript variant (1).
Genome position (GRCh38, 1-based): chr11:112,094,812, G>A. VCF-style: chr11-112094812-G-A. GRCh37 (hg19) VCF-style: chr11-111965536-G-A.
Other names: c.322G>A (NM_003002.2); c.177G>A, p.Leu59= (NM_001276503.2); c.205G>A, p.Gly69Arg (NM_001276504.2); c.*20G>A (NM_001276506.2); short protein forms G108R, G69R.
Identifiers: ClinVar variation 3752425 (VCV003752425.4).
Genomic context (GRCh38, chr11:112,094,812, plus strand): 5'-TCTAATTTCACTGTGGTTTTTTATTGATGTTATGATTTTTTCTTTTTCTTTAGGGGCCTT[G>A]GACAAGTTGTTACTGACTATGTTCATGGGGATGCCTTGCAGAAAGCTGCCAAGGCAGGGC-3'
Protein context (NP_002993.1, residues 98-118): ALTLHGHWGL[Gly108Arg]QVVTDYVHGD